The following is an entry in ClinVar:

NM_001458.5(FLNC):c.1309C>T (p.Arg437Cys)

Gene: FLNC (filamin C; plus strand). Cytogenetic location: 7q32.1.
Variant type: single nucleotide variant.
Coding change: c.1309C>T on transcript NM_001458.5 (MANE Select); coding-DNA position 1309, C replaced by T.
Protein change: p.Arg437Cys; replaces arginine 437 with cysteine.
Molecular consequence: missense variant.
Genome position (GRCh38, 1-based): chr7:128,838,701, C>T. VCF-style: chr7-128838701-C-T. GRCh37 (hg19) VCF-style: chr7-128478755-C-T.
Other names: p.Arg437Cys; c.1309C>T, p.Arg437Cys (NM_001127487.2); short protein forms R437C.
Identifiers: ClinVar variation 567937 (VCV000567937.24), dbSNP rs374847180, ClinGen allele CA4474299.
Genomic context (GRCh38, chr7:128,838,701, plus strand): 5'-CCACAGGGCCGGCGGGACACAGTGGAGGTGGCCCTGGAGGACAAGGGTGACAGCACGTTC[C>T]GCTGCACATACAGACCTGCCATGGAGGGGCCACATACCGTGCATGTGGCCTTTGCGGGTG-3'
Protein context (NP_001449.3, residues 427-447): ALEDKGDSTF[Arg437Cys]CTYRPAMEGP

ClinVar aggregate classification (germline): Uncertain significance. Review status: criteria provided, multiple submitters, no conflicts (2 of 4 stars). 7 submissions from 7 submitters: Uncertain significance (6). 1 of the submissions does not count toward it. Last evaluated 2025-02-10.

Conditions:
Distal myopathy with posterior leg and anterior hand involvement. Also called: WILLIAMS DISTAL MYOPATHY. Identifiers: Orphanet 63273, MedGen C3279722, MONDO:0013550, OMIM 614065.
Myofibrillar myopathy 5. Also called: Filaminopathy (type); FILAMINOPATHY, AUTOSOMAL DOMINANT. Identifiers: Orphanet 171445, MedGen C1836050, MONDO:0012289, OMIM 609524.
Hypertrophic cardiomyopathy 26. Also called: Cardiomyopathy, familial hypertrophic, 26. Identifiers: Orphanet 75249, MedGen C4310749, MONDO:0014883, OMIM 617047.
Dilated Cardiomyopathy, Dominant.
Cardiovascular phenotype. Identifiers: MedGen CN230736.
FLNC-related disorder. Also called: FLNC-related disorders; FLNC-related condition.

Allele frequency attached by ClinVar (database versions not stated): ExAC 0.00002; gnomAD 0.00002; gnomAD exomes 0.00004; TOPMed 0.00005; ESP Exome Variant Server 0.00016.
gnomAD v4.1: 104 of 1,612,910 alleles (0.0064%); highest among the groups gnomAD compares: Non-Finnish European, 0.0082%; no homozygotes.

Submissions (7):

Ambry Genetics
Classification: Uncertain significance for Cardiovascular phenotype. Last evaluated: 2025-02-10. Review status: criteria provided, single submitter. Criteria: Ambry Variant Classification Scheme 2023. Collection method: clinical testing. Allele origin: germline.
Comment: The p.R437C variant (also known as c.1309C>T), located in coding exon 8 of the FLNC gene, results from a C to T substitution at nucleotide position 1309. The arginine at codon 437 is replaced by cysteine, an amino acid with highly dissimilar properties. This amino acid position is highly conserved in available vertebrate species. In addition, the in silico prediction for this alteration is inconclusive. Since supporting evidence is limited at this time, the clinical significance of this alteration remains unclear.

Mayo Clinic Laboratories, Mayo Clinic
Classification: Uncertain significance. Last evaluated: 2025-02-06. Review status: criteria provided, single submitter. Criteria: ACMG Guidelines, 2015. Collection method: clinical testing. Allele origin: germline. Observed: 1 variant allele.
Comment: PP3

Labcorp Genetics (formerly Invitae), Labcorp
Classification: Uncertain significance for Distal myopathy with posterior leg and anterior hand involvement; Myofibrillar myopathy 5; Hypertrophic cardiomyopathy 26. Last evaluated: 2025-01-20. Review status: criteria provided, single submitter. Criteria: Invitae Variant Classification Sherloc (09022015). Collection method: clinical testing. Allele origin: germline.
Comment: This sequence change replaces arginine, which is basic and polar, with cysteine, which is neutral and slightly polar, at codon 437 of the FLNC protein (p.Arg437Cys). This variant is present in population databases (rs374847180, gnomAD 0.007%). This variant has not been reported in the literature in individuals affected with FLNC-related conditions. ClinVar contains an entry for this variant (Variation ID: 567937). Invitae Evidence Modeling of protein sequence and biophysical properties (such as structural, functional, and spatial information, amino acid conservation, physicochemical variation, residue mobility, and thermodynamic stability) has been performed for this missense variant. However, the output from this modeling did not meet the statistical confidence thresholds required to predict the impact of this variant on FLNC protein function. In summary, the available evidence is currently insufficient to determine the role of this variant in disease. Therefore, it has been classified as a Variant of Uncertain Significance.

GeneDx
Classification: Uncertain significance. Last evaluated: 2024-03-29. Review status: criteria provided, single submitter. Criteria: GeneDx Variant Classification Process June 2021. Collection method: clinical testing. Allele origin: germline. Affected: yes.
Comment: Has not been previously published as pathogenic or benign to our knowledge; In silico analysis, which includes protein predictors and evolutionary conservation, supports a deleterious effect; This variant is associated with the following publications: (PMID: 32112656)

Revvity Omics, Revvity
Classification: Uncertain significance. Last evaluated: 2023-02-06. Review status: criteria provided, single submitter. Criteria: ACMG Guidelines, 2015. Collection method: clinical testing. Allele origin: germline.

Victorian Clinical Genetics Services, Murdoch Childrens Research Institute
Classification: Uncertain significance for Hypertrophic cardiomyopathy 26. Last evaluated: 2021-05-06. Review status: criteria provided, single submitter. Criteria: ACMG Guidelines, 2015. Collection method: clinical testing. Allele origin: germline. Inheritance: Autosomal dominant inheritance. Affected: yes.
Comment: Based on the classification scheme VCGS_Germline_v1.3.4, this variant is classified as VUS-3B. Following criteria are met: 0103 - Loss of function and gain of function are known mechanisms of disease in this gene. Loss of function variants have been reported to cause myopathy, myofibrillar, 5 (MIM#609524), myopathy, distal, 4 (MIM#614065), familial hypertrophic cardiomyopathy, 26 (MIM#617047) and dilated cardiomyopathy. Gain of function variants have been reported to cause myopathy, distal, 4 (MIM#614065) (PMID: 32112656). (I) 0107 - This gene is associated with autosomal dominant disease. (I) 0200 - Variant is predicted to result in a missense amino acid change from arginine to cysteine. (I) 0251 - This variant is heterozygous. (I) 0302 - Variant is present in gnomAD (v2) <0.001 for a dominant condition (10 heterozygotes, 0 homozygotes). (SP) 0309 - An alternative amino acid change at the same position has been observed in gnomAD (v2) (p.(Arg427His): 13 heterozygotes, 0 homozygotes). (I) 0501 - Missense variant consistently predicted to be damaging by multiple in silico tools and highly conserved with a major amino acid change. (SP) 0600 - Variant is located in the annotated filamin-type immunoglobulin domain (NCBI conserved domain). (I) 0710 - Other missense variants comparable to the one identified in this case have inconclusive previous evidence for pathogenicity. The p.(Arg437Gly), p.(Arg437His) and p.(Arg437Leu) variants have been classified as VUS (ClinVar). (I) 0809 - Previous evidence of pathogenicity for this variant is inconclusive. This variant has been classified as a VUS (ClinVar). (I) 0905 - No published segregation evidence has been identified for this variant. (I) 1007 - No published functional evidence has been identified for this variant. (I) 1208 - Inheritance information for this variant is not currently available in this individual. (I) Legend: (SP) - Supporting pathogenic, (I) - Information, (SB) - Supporting benign

PreventionGenetics, part of Exact Sciences
Classification: Uncertain significance for FLNC-related condition. Last evaluated: 2024-04-24. Review status: no assertion criteria provided. Collection method: clinical testing. Allele origin: germline. Not counted in ClinVar's aggregate classification.
Comment: The FLNC c.1309C>T variant is predicted to result in the amino acid substitution p.Arg437Cys. To our knowledge, this variant has not been reported in the literature. This variant is reported in 0.0070% of alleles in individuals of European (Non-Finnish) descent in gnomAD. At this time, the clinical significance of this variant is uncertain due to the absence of conclusive functional and genetic evidence.

Literature cited by the submitters: PubMed 32112656 (cited by Victorian Clinical Genetics Services, Murdoch Childrens Research Institute).